The following is an entry in ClinVar:

NM_001142800.2(EYS):c.7826G>C (p.Cys2609Ser)

Gene: EYS (EGF-like photoreceptor maintenance factor; minus strand). Cytogenetic location: 6q12.
Variant type: single nucleotide variant.
Coding change: c.7826G>C on transcript NM_001142800.2 (MANE Select); coding-DNA position 7826, G replaced by C.
Protein change: p.Cys2609Ser; replaces cysteine 2609 with serine.
Molecular consequence: missense variant.
Genome position (GRCh38, 1-based): chr6:63,778,078, C>G on the plus strand (G>C on the coding strand, the complement: EYS is on the minus strand). VCF-style: chr6-63778078-C-G. GRCh37 (hg19) VCF-style: chr6-64487971-C-G.
Other names: c.7826G>C, p.Cys2609Ser (NM_001292009.2); short protein forms C2609S.
Identifiers: ClinVar variation 1487447 (VCV001487447.7), dbSNP rs755966517, ClinGen allele CA364390561.

ClinVar aggregate classification (germline): Uncertain significance. Review status: criteria provided, multiple submitters, no conflicts (2 of 4 stars). 2 submissions from 2 submitters: Uncertain significance (2). Last evaluated 2022-12-22.

Conditions:
Retinitis pigmentosa 25 (RP25). Identifiers: Orphanet 791, MedGen C1864446, MONDO:0011272, OMIM 602772.

gnomAD v4.1: 7 of 1,551,712 alleles (0.00045%); highest among the groups gnomAD compares: Admixed American, 0.002%; no homozygotes.

Submissions (2):

Labcorp Genetics (formerly Invitae), Labcorp
Classification: Uncertain significance. Last evaluated: 2022-12-22. Review status: criteria provided, single submitter. Criteria: Invitae Variant Classification Sherloc (09022015). Collection method: clinical testing. Allele origin: germline.
Comment: In summary, the available evidence is currently insufficient to determine the role of this variant in disease. Therefore, it has been classified as a Variant of Uncertain Significance. Algorithms developed to predict the effect of missense changes on protein structure and function output the following: SIFT: "Deleterious"; PolyPhen-2: "Probably Damaging"; Align-GVGD: "Class C65". The serine amino acid residue is found in multiple mammalian species, which suggests that this missense change does not adversely affect protein function. ClinVar contains an entry for this variant (Variation ID: 1487447). This missense change has been observed in individual(s) with clinical features of retinitis pigmentosa (Invitae). This sequence change replaces cysteine, which is neutral and slightly polar, with serine, which is neutral and polar, at codon 2609 of the EYS protein (p.Cys2609Ser). This variant is present in population databases (no rsID available, gnomAD 0.004%).

Fulgent Genetics
Classification: Uncertain significance for Retinitis pigmentosa 25. Last evaluated: 2021-12-15. Review status: criteria provided, single submitter. Criteria: ACMG Guidelines, 2015. Collection method: clinical testing. Allele origin: unknown.